The following is an entry in ClinVar:

NM_006005.3(WFS1):c.1478T>C (p.Val493Ala)

Gene: WFS1 (wolframin ER transmembrane glycoprotein; plus strand). Cytogenetic location: 4p16.1.
Variant type: single nucleotide variant.
Coding change: c.1478T>C on transcript NM_006005.3 (MANE Select); coding-DNA position 1478, T replaced by C.
Protein change: p.Val493Ala; replaces valine 493 with alanine.
Molecular consequence: missense variant.
Genome position (GRCh38, 1-based): chr4:6,301,273, T>C. VCF-style: chr4-6301273-T-C. GRCh37 (hg19) VCF-style: chr4-6303000-T-C.
Other names: c.1478T>C, p.Val493Ala (NM_001145853.1); short protein forms V493A.
Identifiers: ClinVar variation 1331576 (VCV001331576.14), dbSNP rs767366742, ClinGen allele CA2839367.

ClinVar aggregate classification (germline): Uncertain significance. Review status: criteria provided, multiple submitters, no conflicts (2 of 4 stars). 7 submissions from 7 submitters: Uncertain significance (7). Last evaluated 2026-07-31.

Conditions:
Inborn genetic diseases. Identifiers: MedGen C0950123, MeSH D030342.
WFS1-related disorder. Identifiers: MedGen CN379391, MONDO:0700293.
Autosomal dominant nonsyndromic hearing loss 6 (LFSNHL). Also called: DEAFNESS, AUTOSOMAL DOMINANT 6; DEAFNESS, AUTOSOMAL DOMINANT 14; DEAFNESS, AUTOSOMAL DOMINANT 38; Autosomal dominant nonsyndromic deafness 6. Identifiers: Orphanet 90635, MedGen C1833021, MONDO:0010963, OMIM 600965.
Wolfram-like syndrome. Also called: HEARING LOSS, PROGRESSIVE, WITH OPTIC ATROPHY AND/OR IMPAIRED GLUCOSE REGULATION. Identifiers: Orphanet 411590, MedGen C3280358, MONDO:0013673, OMIM 614296.
Wolfram syndrome 1 (WFS1). Identifiers: Orphanet 3463, MedGen C4551693, MONDO:0009101, OMIM 222300.
Cataract 41 (CTRCT41). Also called: CATARACT 41, CONGENITAL NUCLEAR TYPE. Identifiers: Orphanet 91492, Orphanet 98991, Orphanet 98992, Orphanet 98995, MedGen C3805412, MONDO:0007287, OMIM 116400.
Type 2 diabetes mellitus. Also called: Type II diabetes mellitus. Identifiers: MedGen C0011860, MeSH D003924, MONDO:0005148, OMIM 125853, HP:0005978.

Allele frequency attached by ClinVar (database versions not stated): gnomAD exomes 0.00001 and 0.00003; ExAC 0.00003; gnomAD 0.00009; TOPMed 0.00009.
gnomAD v4.1: 24 of 1,611,318 alleles (0.0015%); highest among the groups gnomAD compares: African/African-American, 0.029%; no homozygotes.

Submissions (7):

PreventionGenetics, part of Exact Sciences
Classification: Uncertain significance for WFS1-related condition. Last evaluated: 2026-07-31. Review status: criteria provided, single submitter. Criteria: ACMG Guidelines, 2015. Collection method: clinical testing. Allele origin: germline.
Comment: The WFS1 c.1478T>C variant is predicted to result in the amino acid substitution p.Val493Ala. To our knowledge, this variant has not been reported in the literature. This variant is present in 0.044% of alleles in individuals of African descent in gnomAD. At this time, the clinical significance of this variant is uncertain due to the absence of conclusive functional and genetic evidence.

Labcorp Genetics (formerly Invitae), Labcorp
Classification: Uncertain significance. Last evaluated: 2026-01-26. Review status: criteria provided, single submitter. Criteria: Invitae Variant Classification Sherloc (09022015). Collection method: clinical testing. Allele origin: germline.
Comment: This sequence change replaces valine, which is neutral and non-polar, with alanine, which is neutral and non-polar, at codon 493 of the WFS1 protein (p.Val493Ala). This variant is present in population databases (rs767366742, gnomAD 0.04%). This variant has not been reported in the literature in individuals affected with WFS1-related conditions. ClinVar contains an entry for this variant (Variation ID: 1331576). Invitae Evidence Modeling of protein sequence and biophysical properties (such as structural, functional, and spatial information, amino acid conservation, physicochemical variation, residue mobility, and thermodynamic stability) indicates that this missense variant is not expected to disrupt WFS1 protein function with a negative predictive value of 95%. In summary, the available evidence is currently insufficient to determine the role of this variant in disease. Therefore, it has been classified as a Variant of Uncertain Significance.

Ambry Genetics
Classification: Uncertain significance for Inborn genetic diseases. Last evaluated: 2025-12-04. Review status: criteria provided, single submitter. Criteria: Ambry Variant Classification Scheme 2023. Collection method: clinical testing. Allele origin: germline.

GeneDx
Classification: Uncertain significance. Last evaluated: 2024-07-31. Review status: criteria provided, single submitter. Criteria: GeneDx Variant Classification Process June 2021. Collection method: clinical testing. Allele origin: germline. Affected: yes.
Comment: In silico analysis supports that this missense variant has a deleterious effect on protein structure/function; Has not been previously published as pathogenic or benign to our knowledge

Fulgent Genetics
Classification: Uncertain significance for Cataract 41; Type 2 diabetes mellitus; Wolfram syndrome 1; Autosomal dominant nonsyndromic hearing loss 6; Wolfram-like syndrome. Last evaluated: 2024-01-29. Review status: criteria provided, single submitter. Criteria: ACMG Guidelines, 2015. Collection method: clinical testing. Allele origin: germline.

Greenwood Genetic Center Diagnostic Laboratories, Greenwood Genetic Center
Classification: Uncertain significance. Last evaluated: 2021-02-14. Review status: criteria provided, single submitter. Criteria: ACMG Guidelines, 2015. Collection method: clinical testing. Allele origin: germline. Affected: yes.
Comment: PM2

Blueprint Genetics
Classification: Uncertain significance. Last evaluated: 2019-11-05. Review status: criteria provided, single submitter. Criteria: ACMG Guidelines, 2015. Collection method: clinical testing. Allele origin: germline.